The following is an entry in ClinVar:

ClinVar aggregate classification (germline): Uncertain significance (1 of 4 stars; one submission).

Conditions:
Regional enteritis. Also called: Enteritis, Granulomatous. Identifiers: MedGen C0678202, MeSH D003424.
Blau syndrome (BLAUS). Also called: GRANULOMATOSIS, FAMILIAL JUVENILE SYSTEMIC; GRANULOMATOSIS, FAMILIAL, BLAU TYPE; GRANULOMATOUS INFLAMMATORY ARTHRITIS, DERMATITIS, AND UVEITIS, FAMILIAL; JABS SYNDROME; ARTHROCUTANEOUVEAL GRANULOMATOSIS. Identifiers: Orphanet 90340, MedGen C5201146, MONDO:0008523, OMIM 186580.

gnomAD v4.1: 6 of 1,613,502 alleles (0.00037%); highest among the groups gnomAD compares: Non-Finnish European, 0.00042%; no homozygotes.

Submission:

Labcorp Genetics (formerly Invitae), Labcorp
Classification: Uncertain significance for Regional enteritis; Blau syndrome. Last evaluated: 2020-02-14. Review status: criteria provided, single submitter. Criteria: Invitae Variant Classification Sherloc (09022015). Collection method: clinical testing. Allele origin: germline.
Comment: This sequence change falls in intron 5 of the NOD2 gene. It does not directly change the encoded amino acid sequence of the NOD2 protein. This variant is not present in population databases (ExAC no frequency). This variant has not been reported in the literature in individuals with NOD2-related conditions. Algorithms developed to predict the effect of sequence changes on RNA splicing suggest that this variant may disrupt the consensus splice site, but this prediction has not been confirmed by published transcriptional studies. In summary, the available evidence is currently insufficient to determine the role of this variant in disease. Therefore, it has been classified as a Variant of Uncertain Significance.

NM_001370466.1(NOD2):c.2466-8C>G

Gene: NOD2 (nucleotide binding oligomerization domain containing 2; plus strand). Cytogenetic location: 16q12.1.
Variant type: single nucleotide variant.
Coding change: c.2466-8C>G on transcript NM_001370466.1 (MANE Select); 8 bases into the intron before coding-DNA position 2466, C replaced by G.
Molecular consequence: intron variant.
Genome position (GRCh38, 1-based): chr16:50,716,883, C>G. VCF-style: chr16-50716883-C-G. GRCh37 (hg19) VCF-style: chr16-50750794-C-G.
Other names: c.2547-8C>G (NM_022162.3); c.2466-8C>G (NM_001293557.2).
Identifiers: ClinVar variation 964939 (VCV000964939.10), dbSNP rs1178978578, ClinGen allele CA1139664679.
Genomic context (GRCh38, chr16:50,716,883, plus strand): 5'-CCTGGGATTTGGTGCTCACTGTCCAATGTGCTTTGCTTCTGTGTCTCCTCTCTTCTGGAA[C>G]TGAACAGTCTATTCAACAACAAATTGACTGACGGCTGTGCACACTCCATGGCTAAGCTCC-3'